The following is an entry in ClinVar:

ClinVar aggregate classification (germline): Likely benign (1 of 4 stars; one submission).

Submission:

Women's Health and Genetics/Laboratory Corporation of America, LabCorp
Classification: Likely benign. Last evaluated: 2024-09-04. Review status: criteria provided, single submitter. Criteria: LabCorp Variant Classification Summary - May 2015. Collection method: clinical testing. Allele origin: germline.
Comment: Variant summary: COL2A1 c.3597+12_3597+18delGACTCCT alters non-conserved nucleotides located at a position not widely known to affect splicing. Consensus agreement among computation tools predict no significant impact on normal splicing. However, these predictions have yet to be confirmed by functional studies. The variant was absent in 251410 control chromosomes. The available data on variant occurrences in the general population are insufficient to allow any conclusion about variant significance. To our knowledge, no occurrence of c.3597+12_3597+18delGACTCCT in individuals affected with Achondrogenesis, Type II and no experimental evidence demonstrating its impact on protein function have been reported. No submitters have cited clinical-significance assessments for this variant to ClinVar. Based on the evidence outlined above, the variant was classified as likely benign.

NM_001844.5(COL2A1):c.3597+12_3597+18del

Gene: COL2A1 (collagen type II alpha 1 chain; minus strand). Cytogenetic location: 12q13.11.
Variant type: Deletion.
Coding change: c.3597+12_3597+18del on transcript NM_001844.5 (MANE Select); bases 12 to 18 of the intron after coding-DNA position 3597, 7 bases deleted (GACTCCT; older notation c.3597+12_3597+18delGACTCCT).
Molecular consequence: intron variant.
Genome position (GRCh38, 1-based): chr12:47,975,945-47,975,951, AGGAGTC deleted on the plus strand (GACTCCT on the coding strand, the reverse complement: COL2A1 is on the minus strand); deleting any 7 consecutive bases within chr12:47,975,945-47,975,955 gives the same sequence; the c. name uses the placement nearest the transcript's 3' end. VCF-style (leftmost placement, unchanged base first): chr12-47975944-AAGGAGTC-A. GRCh37 (hg19) VCF-style: chr12-48369727-AAGGAGTC-A.
Other names: c.3390+12_3390+18del (NM_033150.3); c.3597+12_3597+18delGACTCCT (NM_001844.5).
Identifiers: ClinVar variation 3375048 (VCV003375048.1).